The following is an entry in ClinVar:

ClinVar aggregate classification (germline): Uncertain significance (1 of 4 stars; one submission).

Submission:

CeGaT Center for Human Genetics Tuebingen
Classification: Uncertain significance. Last evaluated: 2025-07-01. Review status: criteria provided, single submitter. Criteria: CeGaT Center For Human Genetics Tuebingen Variant Classification Criteria Version 2. Collection method: clinical testing. Allele origin: germline. Affected: yes. Observed: 1 variant allele.
Comment: IKZF3: PM2, BP4

NM_012481.5(IKZF3):c.1069C>G (p.Gln357Glu)

Gene: IKZF3 (IKAROS family zinc finger 3; minus strand). Cytogenetic location: 17q12.
Variant type: single nucleotide variant.
Coding change: c.1069C>G on transcript NM_012481.5 (MANE Select); coding-DNA position 1069, C replaced by G.
Protein change: p.Gln357Glu; replaces glutamine 357 with glutamic acid.
Molecular consequence: missense variant.
Genome position (GRCh38, 1-based): chr17:39,766,251, G>C on the plus strand (C>G on the coding strand, the complement: IKZF3 is on the minus strand). VCF-style: chr17-39766251-G-C. GRCh37 (hg19) VCF-style: chr17-37922504-G-C.
Other names: c.967C>G, p.Gln323Glu (NM_001257408.2); c.850C>G, p.Gln284Glu (NM_001257409.2); c.808C>G, p.Gln270Glu (NM_001257410.2); c.640C>G, p.Gln214Glu (NM_001257411.2); c.523C>G, p.Gln175Glu (NM_001257412.2); c.406C>G, p.Gln136Glu (NM_001257413.2); c.667C>G, p.Gln223Glu (NM_001257414.2); c.328C>G, p.Gln110Glu (NM_001284514.2, NM_001284515.2, NM_001284516.1); and 4 more; short protein forms Q110E, Q136E, Q175E, Q214E, Q223E, Q262E, Q270E, Q279E.
Identifiers: ClinVar variation 4085120 (VCV004085120.8).